The following is an entry in ClinVar:

ClinVar aggregate classification (germline): Conflicting classifications of pathogenicity. Review status: criteria provided, conflicting classifications (1 of 4 stars). 3 submissions from 3 submitters: Uncertain significance (2); Likely benign (1). Last evaluated 2025-01-27.

Allele frequency attached by ClinVar (database versions not stated): gnomAD exomes 0.00002; ExAC 0.00003; gnomAD 0.00003; TOPMed 0.00003.

Submissions (3):

Ambry Genetics
Classification: Uncertain significance. Last evaluated: 2025-01-27. Review status: criteria provided, single submitter. Criteria: Ambry Variant Classification Scheme 2023. Collection method: clinical testing. Allele origin: germline.

Blueprint Genetics
Classification: Likely benign. Last evaluated: 2024-01-26. Review status: criteria provided, single submitter. Criteria: ACMG Guidelines, 2015. Collection method: clinical testing. Allele origin: germline.

Labcorp Genetics (formerly Invitae), Labcorp
Classification: Uncertain significance. Last evaluated: 2022-06-24. Review status: criteria provided, single submitter. Criteria: Invitae Variant Classification Sherloc (09022015). Collection method: clinical testing. Allele origin: germline.
Comment: Algorithms developed to predict the effect of missense changes on protein structure and function are either unavailable or do not agree on the potential impact of this missense change (SIFT: "Deleterious"; PolyPhen-2: "Benign"; Align-GVGD: "Class C0"). This variant has not been reported in the literature in individuals affected with GRXCR2-related conditions. This variant is present in population databases (rs776586044, gnomAD 0.02%). This sequence change replaces arginine, which is basic and polar, with tryptophan, which is neutral and slightly polar, at codon 102 of the GRXCR2 protein (p.Arg102Trp). In summary, the available evidence is currently insufficient to determine the role of this variant in disease. Therefore, it has been classified as a Variant of Uncertain Significance.

NM_001080516.2(GRXCR2):c.304C>T (p.Arg102Trp)

Gene: GRXCR2 (glutaredoxin and cysteine rich domain containing 2; minus strand). Cytogenetic location: 5q32.
Variant type: single nucleotide variant.
Coding change: c.304C>T on transcript NM_001080516.2 (MANE Select); coding-DNA position 304, C replaced by T.
Protein change: p.Arg102Trp; replaces arginine 102 with tryptophan.
Molecular consequence: missense variant.
Genome position (GRCh38, 1-based): chr5:145,872,665, G>A on the plus strand (C>T on the coding strand, the complement: GRXCR2 is on the minus strand). VCF-style: chr5-145872665-G-A. GRCh37 (hg19) VCF-style: chr5-145252228-G-A.
Other names: c.304C>T (NM_001080516.1); short protein forms R102W.
Identifiers: ClinVar variation 1351132 (VCV001351132.10), dbSNP rs776586044, ClinGen allele CA3488060.